The following is an entry in ClinVar:

NM_001199397.3(NEK1):c.3301C>T (p.Arg1101Cys)

Gene: NEK1 (NIMA related kinase 1; minus strand). Cytogenetic location: 4q33.
Variant type: single nucleotide variant.
Coding change: c.3301C>T on transcript NM_001199397.3 (MANE Select); coding-DNA position 3301, C replaced by T.
Protein change: p.Arg1101Cys; replaces arginine 1101 with cysteine.
Molecular consequence: missense variant. On other transcripts: non-coding transcript variant (1).
Genome position (GRCh38, 1-based): chr4:169,406,669, G>A on the plus strand (C>T on the coding strand, the complement: NEK1 is on the minus strand). VCF-style: chr4-169406669-G-A. GRCh37 (hg19) VCF-style: chr4-170327820-G-A.
Other names: c.3169C>T, p.Arg1057Cys (NM_001199398.3); c.3010C>T, p.Arg1004Cys (NM_001199399.3); c.3085C>T, p.Arg1029Cys (NM_001199400.3); c.3301C>T, p.Arg1101Cys (NM_001374418.1); c.3217C>T, p.Arg1073Cys (NM_001374419.1, NM_012224.4); c.3166C>T, p.Arg1056Cys (NM_001374420.1); c.2818C>T, p.Arg940Cys (NM_001374421.1); short protein forms R1004C, R1029C, R1057C, R1101C, R1073C, R1056C, R940C.
Identifiers: ClinVar variation 1406969 (VCV001406969.6), dbSNP rs759413316, ClinGen allele CA3137183.
Genomic context (GRCh38, chr4:169,406,669, plus strand): 5'-CAGAAGGTCCTTCTTTAATGTTTTCATCTTCAATTTCATCTATTTCAAGATTGTCTTGAC[G>A]AACATCTCCTACGGTGGGAACATCCATAAGGGTTCTGAACAGCTTTGAGAGATCTGGAAG-3'
Protein context (NP_001186326.1, residues 1091-1111): LMDVPTVGDV[Arg1101Cys]QDNLEIDEIE

ClinVar aggregate classification (germline): Uncertain significance (1 of 4 stars; one submission).

Conditions:
Short-rib thoracic dysplasia 6 with or without polydactyly (SRTD6). Also called: SHORT RIB-POLYDACTYLY SYNDROME, TYPE IIA; POLYDACTYLY WITH NEONATAL CHONDRODYSTROPHY, TYPE II; Majewski Syndrome; SHORT-RIB THORACIC DYSPLASIA 6 WITH POLYDACTYLY; SHORT-RIB THORACIC DYSPLASIA 6 WITHOUT POLYDACTYLY. Identifiers: MedGen C0024507, MONDO:0009894, OMIM 263520.

Allele frequency attached by ClinVar (database versions not stated): gnomAD 0.00001; TOPMed 0.00001; gnomAD exomes 0.00002; ExAC 0.00003.
gnomAD v4.1: 25 of 1,606,946 alleles (0.0016%); highest among the groups gnomAD compares: Middle Eastern, 0.017%; no homozygotes.

Submission:

Labcorp Genetics (formerly Invitae), Labcorp
Classification: Uncertain significance for Short-rib thoracic dysplasia 6 with or without polydactyly. Last evaluated: 2025-06-09. Review status: criteria provided, single submitter. Criteria: Invitae Variant Classification Sherloc (09022015). Collection method: clinical testing. Allele origin: germline.
Comment: This sequence change replaces arginine, which is basic and polar, with cysteine, which is neutral and slightly polar, at codon 1073 of the NEK1 protein (p.Arg1073Cys). This variant is present in population databases (rs759413316, gnomAD 0.01%). This missense change has been observed in individual(s) with clinical features of NEK1-related conditions (PMID: 33445179, 35587316). ClinVar contains an entry for this variant (Variation ID: 1406969). Invitae Evidence Modeling of protein sequence and biophysical properties (such as structural, functional, and spatial information, amino acid conservation, physicochemical variation, residue mobility, and thermodynamic stability) indicates that this missense variant is not expected to disrupt NEK1 protein function with a negative predictive value of 80%. In summary, the available evidence is currently insufficient to determine the role of this variant in disease. Therefore, it has been classified as a Variant of Uncertain Significance.

Literature cited by the submitters: PubMed 33445179; PubMed 35587316.